The following is an entry in ClinVar:

ClinVar aggregate classification (germline): Pathogenic (1 of 4 stars; one submission).

Conditions:
Muscular dystrophy-dystroglycanopathy (congenital with brain and eye anomalies), type A, 7. Also called: WALKER-WARBURG SYNDROME OR MUSCLE-EYE-BRAIN DISEASE, ISPD-RELATED; Congenital muscular dystrophy-dystroglycanopathy with brain and eye anomalies, type A7. Identifiers: Orphanet 899, MedGen C3553330, MONDO:0013835, OMIM 614643.
Autosomal recessive limb-girdle muscular dystrophy type 2U. Also called: Muscular dystrophy-dystroglycanopathy (limb-girdle), type c, 7; MUSCULAR DYSTROPHY, LIMB-GIRDLE, TYPE 2U. Identifiers: Orphanet 352479, MedGen C5190987, MONDO:0014474, OMIM 616052.

Submission:

Labcorp Genetics (formerly Invitae), Labcorp
Classification: Pathogenic for Muscular dystrophy-dystroglycanopathy (congenital with brain and eye anomalies), type A, 7; Autosomal recessive limb-girdle muscular dystrophy type 2U. Last evaluated: 2021-12-21. Review status: criteria provided, single submitter. Criteria: Invitae Variant Classification Sherloc (09022015). Collection method: clinical testing. Allele origin: germline.
Comment: This sequence change creates a premature translational stop signal (p.Lys380*) in the ISPD gene. It is expected to result in an absent or disrupted protein product. Loss-of-function variants in ISPD are known to be pathogenic (PMID: 23288328). This variant is not present in population databases (gnomAD no frequency). This variant has not been reported in the literature in individuals affected with ISPD-related conditions. For these reasons, this variant has been classified as Pathogenic.

Literature cited by the submitters: PubMed 23288328.

NM_001101426.4(CRPPA):c.1137dup (p.Lys380Ter)

Genes: CRPPA (CDP-L-ribitol pyrophosphorylase A; minus strand), CRPPA-AS1 (CRPPA antisense RNA 1; plus strand). Cytogenetic location: 7p21.2.
Variant type: Duplication.
Coding change: c.1137dup on transcript NM_001101426.4 (MANE Select); coding-DNA position 1137, one base duplicated (T; older notation c.1137dupT).
Protein change: p.Lys380Ter; replaces lysine 380 with a stop codon.
Molecular consequence: nonsense. On other transcripts: non-coding transcript variant (1).
Genome position (GRCh38, 1-based): chr7:16,216,180, A duplicated on the plus strand (T on the coding strand, the reverse complement: CRPPA is on the minus strand); the first of 4 consecutive A bases (chr7:16,216,180-16,216,183); duplicating any one gives the same sequence. VCF-style (leftmost placement, unchanged base first): chr7-16216179-T-TA. GRCh37 (hg19) VCF-style: chr7-16255804-T-TA.
Other names: c.987dup, p.Lys330Ter (NM_001101417.4); c.1032dup, p.Lys345Ter (NM_001368197.1); short protein forms K330*, K345*, K380*.
Identifiers: ClinVar variation 2142758 (VCV002142758.4), dbSNP rs1157302803, ClinGen allele CA2580076874.